The following is an entry in ClinVar:

ClinVar aggregate classification (germline): Uncertain significance (1 of 4 stars; one submission).

Conditions:
Long QT syndrome (LQTS). Identifiers: MedGen C0023976, MeSH D008133, MONDO:0002442. Disease mechanism: loss of function. Inheritance: Various modes of inheritance.

Allele frequency attached by ClinVar (database versions not stated): gnomAD exomes below 0.00001; TOPMed 0.00002.
gnomAD v4.1: 2 of 1,612,138 alleles (0.00012%); highest among the groups gnomAD compares: Non-Finnish European, 0.00017%; no homozygotes.

Submission:

Labcorp Genetics (formerly Invitae), Labcorp
Classification: Uncertain significance for Long QT syndrome. Last evaluated: 2025-11-09. Review status: criteria provided, single submitter. Criteria: Invitae Variant Classification Sherloc (09022015). Collection method: clinical testing. Allele origin: germline.
Comment: This sequence change replaces alanine, which is neutral and non-polar, with valine, which is neutral and non-polar, at codon 2103 of the CACNA1C protein (p.Ala2103Val). The frequency data for this variant in the population databases is considered unreliable, as metrics indicate poor data quality at this position in the gnomAD database. This variant has not been reported in the literature in individuals affected with CACNA1C-related conditions. ClinVar contains an entry for this variant (Variation ID: 581280). Invitae Evidence Modeling of protein sequence and biophysical properties (such as structural, functional, and spatial information, amino acid conservation, physicochemical variation, residue mobility, and thermodynamic stability) indicates that this missense variant is not expected to disrupt CACNA1C protein function with a negative predictive value of 95%. In summary, the available evidence is currently insufficient to determine the role of this variant in disease. Therefore, it has been classified as a Variant of Uncertain Significance.

NM_000719.7(CACNA1C):c.6308C>T (p.Ala2103Val)

Genes: CACNA1C (calcium voltage-gated channel subunit alpha1 C; plus strand), CACNA1C-AS1 (CACNA1C antisense RNA 1; minus strand). Cytogenetic location: 12p13.33.
Variant type: single nucleotide variant.
Coding change: c.6308C>T on transcript NM_000719.7 (MANE Select); coding-DNA position 6308, C replaced by T.
Protein change: p.Ala2103Val; replaces alanine 2103 with valine.
Molecular consequence: missense variant. On other transcripts: non-coding transcript variant (1).
Genome position (GRCh38, 1-based): chr12:2,691,090, C>T. VCF-style: chr12-2691090-C-T. GRCh37 (hg19) VCF-style: chr12-2800256-C-T.
Other names: c.6452C>T, p.Ala2151Val (NM_001129827.2); c.6431C>T, p.Ala2144Val (NM_001129829.2); c.6413C>T, p.Ala2138Val (NM_001129830.3, NM_001167624.3); c.6392C>T, p.Ala2131Val (NM_001129831.2); c.6368C>T, p.Ala2123Val (NM_001129832.2); c.6365C>T, p.Ala2122Val (NM_001129833.2, NM_001129834.2, NM_001129835.2); c.6359C>T, p.Ala2120Val (NM_001129836.2); c.6332C>T, p.Ala2111Val (NM_001129837.2, NM_001129838.2); and 6 more; short protein forms A2138V, A2151V, A2103V, A2092V, A2109V, A2131V, A2163V, A2100V.
Identifiers: ClinVar variation 581280 (VCV000581280.9), dbSNP rs1402303798, ClinGen allele CA383387157.